The following is an entry in ClinVar:

NM_001035.3(RYR2):c.13529C>T (p.Ala4510Val)

Gene: RYR2 (ryanodine receptor 2; plus strand). Cytogenetic location: 1q43.
Variant type: single nucleotide variant.
Coding change: c.13529C>T on transcript NM_001035.3 (MANE Select); coding-DNA position 13529, C replaced by T.
Protein change: p.Ala4510Val; replaces alanine 4510 with valine.
Molecular consequence: missense variant.
Genome position (GRCh38, 1-based): chr1:237,791,481, C>T. VCF-style: chr1-237791481-C-T. GRCh37 (hg19) VCF-style: chr1-237954781-C-T.
Other names: short protein forms A4510V.
Identifiers: ClinVar variation 915600 (VCV000915600.9), dbSNP rs1658373672, ClinGen allele CA345417162.
Genomic context (GRCh38, chr1:237,791,481, plus strand): 5'-ACCCTCAGAACTATTTTGCTCGCAACTTTTACAACATGAGAATGTTAGCCTTATTTGTCG[C>T]ATTTGCTATCAATTTCATCTTGCTCTTTTATAAGGTACGTACATCTCACTGTTTTAATTA-3'
Protein context (NP_001026.2, residues 4500-4520): YNMRMLALFV[Ala4510Val]FAINFILLFY

ClinVar aggregate classification (germline): Conflicting classifications of pathogenicity. Review status: criteria provided, conflicting classifications (1 of 4 stars). 2 submissions from 2 submitters: Likely pathogenic (1); Uncertain significance (1). Last evaluated 2021-11-02.

Conditions:
Catecholaminergic polymorphic ventricular tachycardia 1. Also called: VENTRICULAR TACHYCARDIA, CATECHOLAMINERGIC POLYMORPHIC, 1, WITH OR WITHOUT ATRIAL DYSFUNCTION AND/OR DILATED CARDIOMYOPATHY; VENTRICULAR TACHYCARDIA, STRESS-INDUCED POLYMORPHIC 1; RYR2-Related Catecholaminergic Polymorphic Ventricular Tachycardia. Identifiers: Orphanet 3286, MedGen C1631597, MONDO:0011484, OMIM 604772.
Cardiomyopathy (CMYO). Also called: Cardiomyopathies. Identifiers: Orphanet 167848, MedGen C0878544, MONDO:0004994, HP:0001638. Inheritance: Various modes of inheritance.

Submissions (2):

Labcorp Genetics (formerly Invitae), Labcorp
Classification: Likely pathogenic for Catecholaminergic polymorphic ventricular tachycardia 1. Last evaluated: 2021-11-02. Review status: criteria provided, single submitter. Criteria: Invitae Variant Classification Sherloc (09022015). Collection method: clinical testing. Allele origin: germline.
Comment: This variant is not present in population databases (gnomAD no frequency). In summary, the currently available evidence indicates that the variant is pathogenic, but additional data are needed to prove that conclusively. Therefore, this variant has been classified as Likely Pathogenic. This variant disrupts the p.Ala4510 amino acid residue in RYR2. Other variant(s) that disrupt this residue have been determined to be pathogenic (PMID: 15466642, 16188589, 22787013, 29453246; Invitae). This suggests that this residue is clinically significant, and that variants that disrupt this residue are likely to be disease-causing. Advanced modeling of protein sequence and biophysical properties (such as structural, functional, and spatial information, amino acid conservation, physicochemical variation, residue mobility, and thermodynamic stability) performed at Invitae indicates that this missense variant is expected to disrupt RYR2 protein function. ClinVar contains an entry for this variant (Variation ID: 915600). This missense change has been observed in individual(s) with arrhythmogenic cardiomyopathy (Invitae). This sequence change replaces alanine, which is neutral and non-polar, with valine, which is neutral and non-polar, at codon 4510 of the RYR2 protein (p.Ala4510Val).

CHEO Genetics Diagnostic Laboratory, Children's Hospital of Eastern Ontario
Classification: Uncertain significance for Cardiomyopathy. Last evaluated: 2019-03-11. Review status: criteria provided, single submitter. Criteria: ACMG Guidelines, 2015. Collection method: clinical testing. Allele origin: germline.

Literature cited by the submitters: PubMed 15466642 (cited by Labcorp Genetics (formerly Invitae), Labcorp); PubMed 16188589 (cited by Labcorp Genetics (formerly Invitae), Labcorp); PubMed 22787013 (cited by Labcorp Genetics (formerly Invitae), Labcorp); PubMed 29453246 (cited by Labcorp Genetics (formerly Invitae), Labcorp).